The following is an entry in ClinVar:

NM_001277115.2(DNAH11):c.5155A>G (p.Thr1719Ala)

Gene: DNAH11 (dynein axonemal heavy chain 11; plus strand). Cytogenetic location: 7p15.3.
Variant type: single nucleotide variant.
Coding change: c.5155A>G on transcript NM_001277115.2 (MANE Select); coding-DNA position 5155, A replaced by G.
Protein change: p.Thr1719Ala; replaces threonine 1719 with alanine.
Molecular consequence: missense variant.
Genome position (GRCh38, 1-based): chr7:21,658,858, A>G. VCF-style: chr7-21658858-A-G. GRCh37 (hg19) VCF-style: chr7-21698476-A-G.
Other names: short protein forms T1719A.
Identifiers: ClinVar variation 410831 (VCV000410831.15), dbSNP rs369965539, ClinGen allele CA4180323.

ClinVar aggregate classification (germline): Conflicting classifications of pathogenicity. Review status: criteria provided, conflicting classifications (1 of 4 stars). 5 submissions from 5 submitters: Uncertain significance (3); Benign (1); Likely benign (1). Last evaluated 2025-07-03.

Conditions:
Primary ciliary dyskinesia. Also called: Ciliary dyskinesia. Identifiers: Orphanet 244, MedGen C0008780, MONDO:0016575, HP:0012265.
Primary ciliary dyskinesia 7. Also called: CILIARY DYSKINESIA, PRIMARY, 7, WITH OR WITHOUT SITUS INVERSUS. Identifiers: Orphanet 244, MedGen C2678473, MONDO:0012748, OMIM 611884.

Allele frequency attached by ClinVar (database versions not stated): gnomAD exomes 0.00002 and below 0.00001; gnomAD 0.00003; TOPMed 0.00003; ExAC 0.00002.
gnomAD v4.1: 41 of 1,606,398 alleles (0.0026%); highest among the groups gnomAD compares: East Asian, 0.016%; no homozygotes.

Submissions (5):

Labcorp Genetics (formerly Invitae), Labcorp
Classification: Benign for Primary ciliary dyskinesia. Last evaluated: 2025-07-03. Review status: criteria provided, single submitter. Criteria: Invitae Variant Classification Sherloc (09022015). Collection method: clinical testing. Allele origin: germline.

Blueprint Genetics
Classification: Likely benign. Last evaluated: 2024-10-15. Review status: criteria provided, single submitter. Criteria: ACMG Guidelines, 2015. Collection method: clinical testing. Allele origin: germline.

Ambry Genetics
Classification: Uncertain significance for Primary ciliary dyskinesia. Last evaluated: 2022-02-20. Review status: criteria provided, single submitter. Criteria: Ambry Variant Classification Scheme 2023. Collection method: clinical testing. Allele origin: germline.
Comment: The p.T1719A variant (also known as c.5155A>G), located in coding exon 30 of the DNAH11 gene, results from an A to G substitution at nucleotide position 5155. The threonine at codon 1719 is replaced by alanine, an amino acid with similar properties. This amino acid position is conserved. In addition, this alteration is predicted to be tolerated by in silico analysis. Since supporting evidence is limited at this time, the clinical significance of this alteration remains unclear.

Fulgent Genetics
Classification: Uncertain significance for Primary ciliary dyskinesia 7. Last evaluated: 2021-07-07. Review status: criteria provided, single submitter. Criteria: ACMG Guidelines, 2015. Collection method: clinical testing. Allele origin: unknown.

Victorian Clinical Genetics Services, Murdoch Childrens Research Institute
Classification: Uncertain significance for Primary ciliary dyskinesia 7. Last evaluated: 2020-05-21. Review status: criteria provided, single submitter. Criteria: ACMG Guidelines, 2015. Collection method: clinical testing. Allele origin: germline. Inheritance: Autosomal recessive inheritance.
Comment: Based on the classification scheme VCGS_Germline_v1.1.1, this variant is classified as VUS – 3C. Following criteria are met: 0102 - Loss-of-function is a known mechanism of disease for this gene. (N) 0106 - This gene is known to be associated with autosomal recessive disease. (N) 0200 - Variant is predicted to result in a missense amino acid change from threonine to alanine (exon 30). (N) 0251 - Variant is heterozygous. (N) 0304 - Variant is present in gnomAD <0.01 for a recessive condition (4 heterozygotes, 0 homozygotes). (P) 0503 - Missense variant consistently predicted to be tolerated or not conserved in mammals with a minor amino acid change. (B) 0504 - Same amino acid change has been observed in mammals. (B) 0600 - Variant is located in an annotated domain or motif, (DHC_N2 domain; PDB, NCBI). (N) 0705 - No comparable variants have previous evidence for pathogenicity. (N) 0804 – Variant has previously been described as variant of uncertain (ClinVar). (N) 0905 - No segregation evidence has been identified for this variant, in the literature. (N) 1007 - No published functional evidence has been identified for this variant. (N) 1208 - Inheritance information for this variant is not currently available. (N) Legend: (P) - Pathogenic, (N) - Neutral, (B) - Benign